The following is an entry in ClinVar:

ClinVar aggregate classification (germline): Uncertain significance (1 of 4 stars; one submission).

gnomAD v4.1: 1 of 1,613,740 alleles (0.000062%); highest among the groups gnomAD compares: Non-Finnish European, 0.000085%; no homozygotes.

Submission:

Labcorp Genetics (formerly Invitae), Labcorp
Classification: Uncertain significance. Last evaluated: 2024-10-26. Review status: criteria provided, single submitter. Criteria: Invitae Variant Classification Sherloc (09022015). Collection method: clinical testing. Allele origin: germline.
Comment: This sequence change replaces lysine, which is basic and polar, with asparagine, which is neutral and polar, at codon 408 of the HPS1 protein (p.Lys408Asn). This variant is not present in population databases (gnomAD no frequency). This variant has not been reported in the literature in individuals affected with HPS1-related conditions. ClinVar contains an entry for this variant (Variation ID: 2111670). Invitae Evidence Modeling of protein sequence and biophysical properties (such as structural, functional, and spatial information, amino acid conservation, physicochemical variation, residue mobility, and thermodynamic stability) indicates that this missense variant is not expected to disrupt HPS1 protein function with a negative predictive value of 95%. In summary, the available evidence is currently insufficient to determine the role of this variant in disease. Therefore, it has been classified as a Variant of Uncertain Significance.

NM_000195.5(HPS1):c.1224G>T (p.Lys408Asn)

Gene: HPS1 (HPS1 biogenesis of lysosomal organelles complex 3 subunit 1; minus strand). Cytogenetic location: 10q24.2.
Variant type: single nucleotide variant.
Coding change: c.1224G>T on transcript NM_000195.5 (MANE Select); coding-DNA position 1224, G replaced by T.
Protein change: p.Lys408Asn; replaces lysine 408 with asparagine.
Molecular consequence: missense variant.
Genome position (GRCh38, 1-based): chr10:98,425,652, C>A on the plus strand (G>T on the coding strand, the complement: HPS1 is on the minus strand). VCF-style: chr10-98425652-C-A. GRCh37 (hg19) VCF-style: chr10-100185409-C-A.
Other names: c.252G>T, p.Lys84Asn (NM_001311345.2, NM_001322487.2, NM_001322489.2); c.1224G>T, p.Lys408Asn (NM_001322476.2, NM_001322477.2); c.1125G>T, p.Lys375Asn (NM_001322478.2, NM_001322479.2); c.963G>T, p.Lys321Asn (NM_001322480.2, NM_001322481.2); c.864G>T, p.Lys288Asn (NM_001322482.2); c.855G>T, p.Lys285Asn (NM_001322483.2, NM_001322484.2); c.756G>T, p.Lys252Asn (NM_001322485.2); short protein forms K252N, K285N, K321N, K375N, K408N, K84N, K288N.
Identifiers: ClinVar variation 2111670 (VCV002111670.4), dbSNP rs1845505581, ClinGen allele CA378047796.